The following is an entry in ClinVar:

ClinVar aggregate classification (germline): Uncertain significance. Review status: criteria provided, single submitter (1 of 4 stars). 2 submissions from 2 submitters: Uncertain significance (1). 1 of the submissions does not count toward it. Last evaluated 2022-06-13.

Conditions:
Retinitis pigmentosa 25 (RP25). Identifiers: Orphanet 791, MedGen C1864446, MONDO:0011272, OMIM 602772.

Allele frequency attached by ClinVar (database versions not stated): ExAC 0.00005.

Submissions (2):

Labcorp Genetics (formerly Invitae), Labcorp
Classification: Uncertain significance. Last evaluated: 2022-06-13. Review status: criteria provided, single submitter. Criteria: Invitae Variant Classification Sherloc (09022015). Collection method: clinical testing. Allele origin: germline.
Comment: This sequence change replaces glutamine, which is neutral and polar, with glutamic acid, which is acidic and polar, at codon 1573 of the EYS protein (p.Gln1573Glu). This variant is present in population databases (rs750799861, gnomAD 0.01%). This variant has not been reported in the literature in individuals affected with EYS-related conditions. Algorithms developed to predict the effect of missense changes on protein structure and function output the following: SIFT: "Tolerated"; PolyPhen-2: "Possibly Damaging"; Align-GVGD: "Class C0". The glutamic acid amino acid residue is found in multiple mammalian species, which suggests that this missense change does not adversely affect protein function. In summary, the available evidence is currently insufficient to determine the role of this variant in disease. Therefore, it has been classified as a Variant of Uncertain Significance.

Natera, Inc.
Classification: Uncertain significance for Retinitis pigmentosa type 25. Last evaluated: 2025-01-16. Review status: no assertion criteria provided. Collection method: clinical testing. Allele origin: germline. Not counted in ClinVar's aggregate classification.

NM_001142800.2(EYS):c.4717C>G (p.Gln1573Glu)

Gene: EYS (eyes shut homolog; minus strand). Cytogenetic location: 6q12.
Variant type: single nucleotide variant.
Coding change: c.4717C>G on transcript NM_001142800.2 (MANE Select); coding-DNA position 4717, C replaced by G.
Protein change: p.Gln1573Glu; replaces glutamine 1573 with glutamic acid.
Molecular consequence: missense variant.
Genome position (GRCh38, 1-based): chr6:64,591,150, G>C on the plus strand (C>G on the coding strand, the complement: EYS is on the minus strand). VCF-style: chr6-64591150-G-C. GRCh37 (hg19) VCF-style: chr6-65301043-G-C.
Other names: c.4717C>G, p.Gln1573Glu (NM_001292009.2); c.4717C>G (NM_001142800.1); short protein forms Q1573E.
Identifiers: ClinVar variation 1908358 (VCV001908358.3), dbSNP rs750799861, ClinGen allele CA3877061.
Genomic context (GRCh38, chr6:64,591,150, plus strand): 5'-ATATCGCTGAGTTCATCCAGAATGTCTCATAAAAGTGGGACTGTTTGCTATGCAAAACTT[G>C]ATCTGAGAATTCACGAGAGGATTTTATTTCAGTCATAGAACATGTTGCACATGTTTGGCT-3'
Protein context (NP_001136272.1, residues 1563-1583): EIKSSREFSD[Gln1573Glu]VLHSKQSHFY